The following is an entry in ClinVar:

ClinVar aggregate classification (germline): Uncertain significance (1 of 4 stars; one submission).

Conditions:
Cholestanol storage disease (CTX). Also called: CEREBRAL CHOLESTERINOSIS; Cerebrotendinous Xanthomatosis; CTX: Cerebrotendinous xanthomatosis. Identifiers: Orphanet 909, MedGen C0238052, MONDO:0008948, OMIM 213700.

gnomAD v4.1: 1 of 1,614,226 alleles (0.000062%); highest among the groups gnomAD compares: Non-Finnish European, 0.000085%; no homozygotes.

Submission:

Dasa
Classification: Uncertain significance for cerebrotendinous xanthomatosis. Last evaluated: 2026-01-03. Review status: criteria provided, single submitter. Criteria: DASA Assertion Criteria. Collection method: clinical testing. Allele origin: germline.
Comment: NM_000784.4(CYP27A1):c.1123C>G (p.Pro375Ala) is a missense variant that results in the substitution of proline with alanine. This variant is rare in population databases. The currently available literature and clinical evidence are not sufficient to establish a definitive association between this variant and the reported condition. Therefore, this variant is classified as a variant of uncertain significance.

NM_000784.4(CYP27A1):c.1123C>G (p.Pro375Ala)

Gene: CYP27A1 (cytochrome P450 family 27 subfamily A member 1; plus strand). Cytogenetic location: 2q35.
Variant type: single nucleotide variant.
Coding change: c.1123C>G on transcript NM_000784.4 (MANE Select); coding-DNA position 1123, C replaced by G.
Protein change: p.Pro375Ala; replaces proline 375 with alanine.
Molecular consequence: missense variant.
Genome position (GRCh38, 1-based): chr2:218,814,126, C>G. VCF-style: chr2-218814126-C-G. GRCh37 (hg19) VCF-style: chr2-219678849-C-G.
Other names: short protein forms P375A.
Identifiers: ClinVar variation 4881892 (VCV004881892.2).